The following is an entry in ClinVar:

ClinVar aggregate classification (germline): Pathogenic/Likely pathogenic. Review status: criteria provided, multiple submitters, no conflicts (2 of 4 stars). 2 submissions from 2 submitters: Pathogenic (1); Likely pathogenic (1). Last evaluated 2026-10-15.

Conditions:
Developmental and epileptic encephalopathy, 33 (DEE33). Also called: Epileptic encephalopathy, early infantile, 33. Identifiers: Orphanet 442835, MedGen C4225337, MONDO:0014625, OMIM 616409.

Allele frequency attached by ClinVar (database versions not stated): gnomAD exomes below 0.00001.

Submissions (2):

GeneDx
Classification: Likely pathogenic. Last evaluated: 2026-10-15. Review status: criteria provided, single submitter. Criteria: GeneDx Variant Classification Process June 2021. Collection method: clinical testing. Allele origin: germline.
Comment: Identified in patients with developmental disorders and prenatal exposure to antiepileptic drugs in published literature (PMID: 31481360); Not observed at significant frequency in large population cohorts (gnomAD); In silico analysis supports that this missense variant has a deleterious effect on protein structure/function; This variant is associated with the following publications: (PMID: 31481360)

Labcorp Genetics (formerly Invitae), Labcorp
Classification: Pathogenic for Developmental and epileptic encephalopathy, 33. Last evaluated: 2025-07-16. Review status: criteria provided, single submitter. Criteria: Invitae Variant Classification Sherloc (09022015). Collection method: clinical testing. Allele origin: germline.
Comment: This sequence change replaces glutamic acid, which is acidic and polar, with lysine, which is basic and polar, at codon 169 of the EEF1A2 protein (p.Glu169Lys). This variant is not present in population databases (gnomAD no frequency). This missense change has been observed in individual(s) with clinical features of EEF1A2-related conditions (internal data). In at least one individual the variant was observed to be de novo. ClinVar contains an entry for this variant (Variation ID: 967313). Invitae Evidence Modeling of protein sequence and biophysical properties (such as structural, functional, and spatial information, amino acid conservation, physicochemical variation, residue mobility, and thermodynamic stability) indicates that this missense variant is not expected to disrupt EEF1A2 protein function with a negative predictive value of 80%. For these reasons, this variant has been classified as Pathogenic.

NM_001958.5(EEF1A2):c.505G>A (p.Glu169Lys)

Genes: EEF1A2 (eukaryotic translation elongation factor 1 alpha 2; minus strand), LOC132090595 (Neanderthal introgressed variant-containing enhancer experimental_60987; plus strand). Cytogenetic location: 20q13.33.
Variant type: single nucleotide variant.
Coding change: c.505G>A on transcript NM_001958.5 (MANE Select); coding-DNA position 505, G replaced by A.
Protein change: p.Glu169Lys; replaces glutamic acid 169 with lysine.
Molecular consequence: missense variant.
Genome position (GRCh38, 1-based): chr20:63,494,921, C>T on the plus strand (G>A on the coding strand, the complement: EEF1A2 is on the minus strand). VCF-style: chr20-63494921-C-T. GRCh37 (hg19) VCF-style: chr20-62126274-C-T.
Other names: short protein forms E169K.
Identifiers: ClinVar variation 967313 (VCV000967313.12), dbSNP rs2082409766, ClinGen allele CA409649569.
Genomic context (GRCh38, chr20:63,494,921, plus strand): 5'-GCACGGTGGCCGGGTTGTAGCCGATCTTCTTGATGTAGGCGCTGACTTCCTTGACGATCT[C>T]GTCGTAGCGCTTCTCGCTGTAGGCCGGCTCTGTGGAGTCCATTTTGTTCACGCCCACGAT-3'
Protein context (NP_001949.1, residues 159-179): EPAYSEKRYD[Glu169Lys]IVKEVSAYIK